The following is an entry in ClinVar:

ClinVar aggregate classification (germline): Uncertain significance (1 of 4 stars; one submission).

Conditions:
Inborn genetic diseases. Identifiers: MedGen C0950123, MeSH D030342.

gnomAD v4.1: 5 of 1,613,816 alleles (0.00031%); highest among the groups gnomAD compares: South Asian, 0.0055%; no homozygotes.

Submission:

Ambry Genetics
Classification: Uncertain significance for Inborn genetic diseases. Last evaluated: 2026-08-05. Review status: criteria provided, single submitter. Criteria: Ambry Variant Classification Scheme 2023. Collection method: clinical testing. Allele origin: germline.
Comment: The p.S1048Y variant (also known as c.3143C>A), located in coding exon 14 of the MECOM gene, results from a C to A substitution at nucleotide position 3143. The serine at codon 1048 is replaced by tyrosine, an amino acid with dissimilar properties. This amino acid position is conserved. In addition, this alteration is predicted to be tolerated by in silico analysis. Based on the available evidence, the clinical significance of this variant remains unclear.

NM_004991.4(MECOM):c.3143C>A (p.Ser1048Tyr)

Gene: MECOM (MDS1 and EVI1 complex locus; minus strand). Cytogenetic location: 3q26.2.
Variant type: single nucleotide variant.
Coding change: c.3143C>A on transcript NM_004991.4 (MANE Select); coding-DNA position 3143, C replaced by A.
Protein change: p.Ser1048Tyr; replaces serine 1048 with tyrosine.
Molecular consequence: missense variant.
Genome position (GRCh38, 1-based): chr3:169,092,979, G>T on the plus strand (C>A on the coding strand, the complement: MECOM is on the minus strand). VCF-style: chr3-169092979-G-T. GRCh37 (hg19) VCF-style: chr3-168810767-G-T.
Other names: c.2774C>A, p.Ser925Tyr (NM_001105077.4); c.2579C>A, p.Ser860Tyr (NM_001105078.4, NM_001205194.2, NM_001366469.2 and 1 more transcripts); c.2555C>A, p.Ser852Tyr (NM_001163999.2, NM_001366470.2); c.2552C>A, p.Ser851Tyr (NM_001164000.2, NM_001366471.2, NM_001366472.2); c.3116C>A, p.Ser1039Tyr (NM_001366466.2); c.2582C>A, p.Ser861Tyr (NM_001366467.2, NM_001366468.2); c.2144C>A, p.Ser715Tyr (NM_001366473.2); c.1580C>A, p.Ser527Tyr (NM_001366474.2); short protein forms S860Y, S1048Y, S527Y, S851Y, S861Y, S852Y, S925Y, S1039Y.
Identifiers: ClinVar variation 5024172 (VCV005024172.1).